The following is an entry in ClinVar:

NM_133433.4(NIPBL):c.2775G>C (p.Lys925Asn)

Gene: NIPBL (NIPBL cohesin loading factor; plus strand). Cytogenetic location: 5p13.2.
Variant type: single nucleotide variant.
Coding change: c.2775G>C on transcript NM_133433.4 (MANE Select); coding-DNA position 2775, G replaced by C.
Protein change: p.Lys925Asn; replaces lysine 925 with asparagine.
Molecular consequence: missense variant.
Genome position (GRCh38, 1-based): chr5:36,985,955, G>C. VCF-style: chr5-36985955-G-C. GRCh37 (hg19) VCF-style: chr5-36986057-G-C.
Other names: c.2775G>C, p.Lys925Asn (NM_015384.5); short protein forms K925N.
Identifiers: ClinVar variation 1902335 (VCV001902335.5), dbSNP rs1247044982, ClinGen allele CA359504994.

ClinVar aggregate classification (germline): Uncertain significance (1 of 4 stars; one submission).

Conditions:
Cornelia de Lange syndrome 1 (CDLS1). Also called: Brachmann de Lange syndrome; TYPUS DEGENERATIVUS AMSTELODAMENSIS; NIPBL-Related Cornelia de Lange Syndrome. Identifiers: Orphanet 199, MedGen C4551851, MONDO:0007387, OMIM 122470.

gnomAD v4.1: 5 of 1,613,940 alleles (0.00031%); highest among the groups gnomAD compares: East Asian, 0.0022%; no homozygotes.

Submission:

Labcorp Genetics (formerly Invitae), Labcorp
Classification: Uncertain significance for Cornelia de Lange syndrome 1. Last evaluated: 2026-01-12. Review status: criteria provided, single submitter. Criteria: Invitae Variant Classification Sherloc (09022015). Collection method: clinical testing. Allele origin: germline.
Comment: This sequence change replaces lysine, which is basic and polar, with asparagine, which is neutral and polar, at codon 925 of the NIPBL protein (p.Lys925Asn). This variant is present in population databases (no rsID available, gnomAD 0.006%). This variant has not been reported in the literature in individuals affected with NIPBL-related conditions. ClinVar contains an entry for this variant (Variation ID: 1902335). Invitae Evidence Modeling of protein sequence and biophysical properties (such as structural, functional, and spatial information, amino acid conservation, physicochemical variation, residue mobility, and thermodynamic stability) indicates that this missense variant is not expected to disrupt NIPBL protein function with a negative predictive value of 95%. In summary, the available evidence is currently insufficient to determine the role of this variant in disease. Therefore, it has been classified as a Variant of Uncertain Significance.